The following is an entry in ClinVar:

NM_000548.5(TSC2):c.454C>T (p.His152Tyr)

Gene: TSC2 (TSC complex subunit 2; plus strand). Cytogenetic location: 16p13.3.
Variant type: single nucleotide variant.
Coding change: c.454C>T on transcript NM_000548.5 (MANE Select); coding-DNA position 454, C replaced by T.
Protein change: p.His152Tyr; replaces histidine 152 with tyrosine.
Molecular consequence: missense variant. On other transcripts: 5 prime UTR variant (13), synonymous variant (1), non-coding transcript variant (5), intron variant (6).
Genome position (GRCh38, 1-based): chr16:2,054,413, C>T. VCF-style: chr16-2054413-C-T. GRCh37 (hg19) VCF-style: chr16-2104414-C-T.
Other names: c.454C>T, p.His152Tyr (NM_001077183.3, NM_001114382.3, NM_001363528.2 and 8 more transcripts); c.343C>T, p.His115Tyr (NM_001318827.2, NM_001406670.1, NM_001406678.1); c.307C>T, p.His103Tyr (NM_001318829.2, NM_001406675.1, NM_001406676.1 and 1 more transcripts); c.487C>T, p.His163Tyr (NM_001318832.2); c.544C>T, p.His182Tyr (NM_001406667.1, NM_001406668.1); c.397C>T, p.His133Tyr (NM_001406677.1); c.-363C>T (NM_001406680.1, NM_001406683.1, NM_001406687.1); c.9C>T, p.Asp3= (NM_001406681.1); and 6 more; short protein forms H182Y, H103Y, H115Y, H133Y, H152Y, H163Y.
Identifiers: ClinVar variation 3670479 (VCV003670479.2).

ClinVar aggregate classification (germline): Uncertain significance (1 of 4 stars; one submission).

Conditions:
Tuberous sclerosis 2 (TSC2). Identifiers: Orphanet 805, MedGen C1860707, MONDO:0013199, OMIM 613254.

gnomAD v4.1: 1 of 1,614,228 alleles (0.000062%); highest among the groups gnomAD compares: Non-Finnish European, 0.000085%; no homozygotes.

Submission:

Labcorp Genetics (formerly Invitae), Labcorp
Classification: Uncertain significance for Tuberous sclerosis 2. Last evaluated: 2024-02-12. Review status: criteria provided, single submitter. Criteria: Invitae Variant Classification Sherloc (09022015). Collection method: clinical testing. Allele origin: germline.
Comment: This sequence change replaces histidine, which is basic and polar, with tyrosine, which is neutral and polar, at codon 152 of the TSC2 protein (p.His152Tyr). This variant is not present in population databases (gnomAD no frequency). This missense change has been observed in individual(s) with atypical Rolandic epilepsy (PMID: 32600977). Advanced modeling of protein sequence and biophysical properties (such as structural, functional, and spatial information, amino acid conservation, physicochemical variation, residue mobility, and thermodynamic stability) performed at Invitae indicates that this missense variant is not expected to disrupt TSC2 protein function with a negative predictive value of 95%. In summary, the available evidence is currently insufficient to determine the role of this variant in disease. Therefore, it has been classified as a Variant of Uncertain Significance.

Literature cited by the submitters: PubMed 32600977.